The following is an entry in ClinVar:

ClinVar aggregate classification (germline): Uncertain significance (1 of 4 stars; one submission).

Submission:

Labcorp Genetics (formerly Invitae), Labcorp
Classification: Uncertain significance. Last evaluated: 2025-03-22. Review status: criteria provided, single submitter. Criteria: Invitae Variant Classification Sherloc (09022015). Collection method: clinical testing. Allele origin: germline.
Comment: This sequence change replaces cysteine, which is neutral and slightly polar, with tyrosine, which is neutral and polar, at codon 1176 of the NOTCH3 protein (p.Cys1176Tyr). This variant is not present in population databases (gnomAD no frequency). This variant has not been reported in the literature in individuals affected with NOTCH3-related conditions. Invitae Evidence Modeling of protein sequence and biophysical properties (such as structural, functional, and spatial information, amino acid conservation, physicochemical variation, residue mobility, and thermodynamic stability) indicates that this missense variant is expected to disrupt NOTCH3 protein function with a positive predictive value of 95%. In summary, the available evidence is currently insufficient to determine the role of this variant in disease. Therefore, it has been classified as a Variant of Uncertain Significance.

NM_000435.3(NOTCH3):c.3527G>A (p.Cys1176Tyr)

Gene: NOTCH3 (notch receptor 3; minus strand). Cytogenetic location: 19p13.12.
Variant type: single nucleotide variant.
Coding change: c.3527G>A on transcript NM_000435.3 (MANE Select); coding-DNA position 3527, G replaced by A.
Protein change: p.Cys1176Tyr; replaces cysteine 1176 with tyrosine.
Molecular consequence: missense variant.
Genome position (GRCh38, 1-based): chr19:15,179,216, C>T on the plus strand (G>A on the coding strand, the complement: NOTCH3 is on the minus strand). VCF-style: chr19-15179216-C-T. GRCh37 (hg19) VCF-style: chr19-15290027-C-T.
Other names: short protein forms C1176Y.
Identifiers: ClinVar variation 4802100 (VCV004802100.1).